The following is an entry in ClinVar:

ClinVar aggregate classification (germline): Benign/Likely benign. Review status: criteria provided, multiple submitters, no conflicts (2 of 4 stars). 4 submissions from 4 submitters: Benign (2); Likely benign (2). Last evaluated 2026-01-25.

Conditions:
Cranioectodermal dysplasia 1 (CED1). Also called: LEVIN SYNDROME I. Identifiers: Orphanet 1515, MedGen C0432235, MONDO:0021093, OMIM 218330.

Allele frequency attached by ClinVar (database versions not stated): gnomAD 0.00548; TOPMed 0.00551; ESP Exome Variant Server 0.00607; 1000 Genomes Project 0.00759; 1000 Genomes Project 30x 0.00796.
gnomAD v4.1: 1,521 of 1,613,986 alleles (0.094%); highest among the groups gnomAD compares: African/African-American, 1.8%; 12 homozygotes.

Submissions (6):

Labcorp Genetics (formerly Invitae), Labcorp
Classification: Benign for Cranioectodermal dysplasia 1. Last evaluated: 2026-01-25. Review status: criteria provided, single submitter. Criteria: Invitae Variant Classification Sherloc (09022015). Collection method: clinical testing. Allele origin: germline.

Blueprint Genetics
Classification: Likely benign. Last evaluated: 2024-10-02. Review status: criteria provided, single submitter. Criteria: ACMG Guidelines, 2015. Collection method: clinical testing. Allele origin: germline.

GeneDx
Classification: Likely benign. Last evaluated: 2021-04-18. Review status: criteria provided, single submitter. Criteria: GeneDx Variant Classification Process June 2021. Collection method: clinical testing. Allele origin: germline. Affected: yes.

Illumina Laboratory Services, Illumina
Classification: Benign for Cranioectodermal dysplasia 1. Last evaluated: 2018-01-13. Review status: criteria provided, single submitter. Criteria: ICSL Variant Classification Criteria 13 December 2019. Collection method: clinical testing. Allele origin: germline.
Comment: This variant was observed in the ICSL laboratory as part of a predisposition screen in an ostensibly healthy population. It had not been previously curated by ICSL or reported in the Human Gene Mutation Database (HGMD: prior to June 1st, 2018), and was therefore a candidate for classification through an automated scoring system. Utilizing variant allele frequency, disease prevalence and penetrance estimates, and inheritance mode, an automated score was calculated to assess if this variant is too frequent to cause the disease. Based on the score and internal cut-off values, a variant classified as benign is not then subjected to further curation. The score for this variant resulted in a classification of benign for this disease.

Dr. Peter K. Rogan Lab, Western University
No classification provided (evidence only). Condition: Uterine corpus endometrial carcinoma. Review status: no classification provided. Collection method: in vitro. Allele origin: not applicable. Functional consequence: retained intron. Not counted in ClinVar's aggregate classification.

Dr. Peter K. Rogan Lab, Western University
No classification provided (evidence only). Condition: Ovarian serous cystadenocarcinoma. Review status: no classification provided. Collection method: in vitro. Allele origin: not applicable. Functional consequence: retained intron. Not counted in ClinVar's aggregate classification.

NM_052989.3(IFT122):c.3303G>T (p.Gly1101=)

Gene: IFT122 (intraflagellar transport 122; plus strand). Cytogenetic location: 3q22.1.
Variant type: single nucleotide variant.
Coding change: c.3303G>T on transcript NM_052989.3 (MANE Select); coding-DNA position 3303, G replaced by T.
Protein change: p.Gly1101=; no amino-acid change (glycine 1101 retained).
Molecular consequence: synonymous variant.
Genome position (GRCh38, 1-based): chr3:129,517,506, G>T. VCF-style: chr3-129517506-G-T. GRCh37 (hg19) VCF-style: chr3-129236349-G-T.
Other names: c.3282G>T, p.Gly1094= (NM_001280541.2); c.2853G>T, p.Gly951= (NM_001280545.2); c.2676G>T, p.Gly892= (NM_001280546.2); c.3126G>T, p.Gly1042= (NM_018262.4); c.3456G>T, p.Gly1152= (NM_052985.4); c.2973G>T, p.Gly991= (NM_052990.3).
Identifiers: ClinVar variation 343267 (VCV000343267.17), dbSNP rs111668739, ClinGen allele CA2606876.